The following is an entry in ClinVar:

ClinVar aggregate classification (germline): Uncertain significance (1 of 4 stars; one submission).

Conditions:
Autosomal recessive polycystic kidney disease (ARPKD). Also called: AR polycystic kidney disease. Identifiers: Orphanet 731, Orphanet 8378, MedGen C0085548, MeSH D017044, MONDO:0009889.

Submission:

Labcorp Genetics (formerly Invitae), Labcorp
Classification: Uncertain significance for Autosomal recessive polycystic kidney disease. Last evaluated: 2022-07-23. Review status: criteria provided, single submitter. Criteria: Invitae Variant Classification Sherloc (09022015). Collection method: clinical testing. Allele origin: germline.
Comment: Advanced modeling of protein sequence and biophysical properties (such as structural, functional, and spatial information, amino acid conservation, physicochemical variation, residue mobility, and thermodynamic stability) performed at Invitae indicates that this missense variant is not expected to disrupt PKHD1 protein function. This variant has not been reported in the literature in individuals affected with PKHD1-related conditions. This variant is not present in population databases (gnomAD no frequency). This sequence change replaces valine, which is neutral and non-polar, with alanine, which is neutral and non-polar, at codon 2429 of the PKHD1 protein (p.Val2429Ala). In summary, the available evidence is currently insufficient to determine the role of this variant in disease. Therefore, it has been classified as a Variant of Uncertain Significance.

NM_138694.4(PKHD1):c.7286T>C (p.Val2429Ala)

Gene: PKHD1 (PKHD1 ciliary IPT domain containing fibrocystin/polyductin; minus strand). Cytogenetic location: 6p12.2.
Variant type: single nucleotide variant.
Coding change: c.7286T>C on transcript NM_138694.4 (MANE Select); coding-DNA position 7286, T replaced by C.
Protein change: p.Val2429Ala; replaces valine 2429 with alanine.
Molecular consequence: missense variant.
Genome position (GRCh38, 1-based): chr6:51,883,157, A>G on the plus strand (T>C on the coding strand, the complement: PKHD1 is on the minus strand). VCF-style: chr6-51883157-A-G. GRCh37 (hg19) VCF-style: chr6-51747955-A-G.
Other names: c.7286T>C, p.Val2429Ala (NM_170724.3); short protein forms V2429A.
Identifiers: ClinVar variation 1713519 (VCV001713519.6), dbSNP rs2536180330, ClinGen allele CA364422088.
Genomic context (GRCh38, chr6:51,883,157, plus strand): 5'-TGGGCAAAATGACCAAGTAATAAGCTGTCAGTAACTGAAGTATTTGCATCACTTTCCAAG[A>G]CGTCAATTCCAAAATCTCTGCATGAATAAACTTTGAAGTTTTTCAGGCGAAGATTGCTAC-3'
Protein context (NP_619639.3, residues 2419-2439): VYSCRDFGID[Val2429Ala]LESDANTSVT